The following is an entry in ClinVar:

ClinVar aggregate classification (germline): Uncertain significance. Review status: criteria provided, multiple submitters, no conflicts (2 of 4 stars). 2 submissions from 2 submitters: Uncertain significance (2). Last evaluated 2024-10-17.

Conditions:
Inborn genetic diseases. Identifiers: MedGen C0950123, MeSH D030342.

Allele frequency attached by ClinVar (database versions not stated): gnomAD exomes below 0.00001; gnomAD 0.00001.
gnomAD v4.1: 5 of 1,614,050 alleles (0.00031%); highest among the groups gnomAD compares: African/African-American, 0.0067%; no homozygotes.

Submissions (2):

Labcorp Genetics (formerly Invitae), Labcorp
Classification: Uncertain significance. Last evaluated: 2024-10-17. Review status: criteria provided, single submitter. Criteria: Invitae Variant Classification Sherloc (09022015). Collection method: clinical testing. Allele origin: germline.
Comment: This sequence change replaces glycine, which is neutral and non-polar, with glutamic acid, which is acidic and polar, at codon 538 of the FAT4 protein (p.Gly538Glu). This variant is present in population databases (no rsID available, gnomAD 0.008%). This variant has not been reported in the literature in individuals affected with FAT4-related conditions. ClinVar contains an entry for this variant (Variation ID: 1348203). Invitae Evidence Modeling of protein sequence and biophysical properties (such as structural, functional, and spatial information, amino acid conservation, physicochemical variation, residue mobility, and thermodynamic stability) indicates that this missense variant is not expected to disrupt FAT4 protein function with a negative predictive value of 95%. In summary, the available evidence is currently insufficient to determine the role of this variant in disease. Therefore, it has been classified as a Variant of Uncertain Significance.

Ambry Genetics
Classification: Uncertain significance for Inborn genetic diseases. Last evaluated: 2022-10-03. Review status: criteria provided, single submitter. Criteria: Ambry Variant Classification Scheme 2023. Collection method: clinical testing. Allele origin: germline.

NM_001291303.3(FAT4):c.1613G>A (p.Gly538Glu)

Gene: FAT4 (FAT atypical cadherin 4; plus strand). Cytogenetic location: 4q28.1.
Variant type: single nucleotide variant.
Coding change: c.1613G>A on transcript NM_001291303.3 (MANE Select); coding-DNA position 1613, G replaced by A.
Protein change: p.Gly538Glu; replaces glycine 538 with glutamic acid.
Molecular consequence: missense variant.
Genome position (GRCh38, 1-based): chr4:125,318,024, G>A. VCF-style: chr4-125318024-G-A. GRCh37 (hg19) VCF-style: chr4-126239179-G-A.
Other names: c.1613G>A, p.Gly538Glu (NM_001291285.3, NM_024582.6); c.1613G>A (NM_024582.4); short protein forms G538E.
Identifiers: ClinVar variation 1348203 (VCV001348203.9), dbSNP rs1193758539, ClinGen allele CA358118279.